The following is an entry in ClinVar:

NM_020754.4(ARHGAP31):c.3803G>A (p.Gly1268Glu)

Gene: ARHGAP31 (Rho GTPase activating protein 31; plus strand). Cytogenetic location: 3q13.33.
Variant type: single nucleotide variant.
Coding change: c.3803G>A on transcript NM_020754.4 (MANE Select); coding-DNA position 3803, G replaced by A.
Protein change: p.Gly1268Glu; replaces glycine 1268 with glutamic acid.
Molecular consequence: missense variant.
Genome position (GRCh38, 1-based): chr3:119,415,732, G>A. VCF-style: chr3-119415732-G-A. GRCh37 (hg19) VCF-style: chr3-119134579-G-A.
Other names: c.3803G>A (NM_020754.2); short protein forms G1268E.
Identifiers: ClinVar variation 3055235 (VCV003055235.6), dbSNP rs375063944, ClinGen allele CA2554249.

ClinVar aggregate classification (germline): Benign/Likely benign. Review status: criteria provided, multiple submitters, no conflicts (2 of 4 stars). 4 submissions from 4 submitters: Benign (1); Likely benign (2). 1 of the submissions does not count toward it. Last evaluated 2026-01-15.

Conditions:
ARHGAP31-related disorder. Also called: ARHGAP31-related condition.
Inborn genetic diseases. Identifiers: MedGen C0950123, MeSH D030342.

Allele frequency attached by ClinVar (database versions not stated): TOPMed 0.00002; gnomAD 0.00008; gnomAD exomes 0.00017; ExAC 0.00029; 1000 Genomes Project 30x 0.00031; 1000 Genomes Project 0.00040.
gnomAD v4.1: 266 of 1,614,076 alleles (0.016%); highest among the groups gnomAD compares: South Asian, 0.28%; 1 homozygote.

Submissions (4):

Labcorp Genetics (formerly Invitae), Labcorp
Classification: Benign. Last evaluated: 2026-01-15. Review status: criteria provided, single submitter. Criteria: Invitae Variant Classification Sherloc (09022015). Collection method: clinical testing. Allele origin: germline.

Ambry Genetics
Classification: Likely benign for Inborn genetic diseases. Last evaluated: 2025-11-25. Review status: criteria provided, single submitter. Criteria: Ambry Variant Classification Scheme 2023. Collection method: clinical testing. Allele origin: germline.

Blueprint Genetics
Classification: Likely benign. Last evaluated: 2024-07-15. Review status: criteria provided, single submitter. Criteria: ACMG Guidelines, 2015. Collection method: clinical testing. Allele origin: germline.

PreventionGenetics, part of Exact Sciences
Classification: Likely benign for ARHGAP31-related condition. Last evaluated: 2021-12-09. Review status: no assertion criteria provided. Collection method: clinical testing. Allele origin: germline. Not counted in ClinVar's aggregate classification.
Comment: This variant is classified as likely benign based on ACMG/AMP sequence variant interpretation guidelines (Richards et al. 2015 PMID: 25741868, with internal and published modifications).